The following is an entry in ClinVar:

ClinVar aggregate classification (germline): Uncertain significance (1 of 4 stars; one submission).

Submission:

Ambry Genetics
Classification: Uncertain significance. Last evaluated: 2025-02-16. Review status: criteria provided, single submitter. Criteria: Ambry Variant Classification Scheme 2023. Collection method: clinical testing. Allele origin: germline.
Comment: The p.N377Y variant (also known as c.1129A>T), located in coding exon 1 of the TET2 gene, results from an A to T substitution at nucleotide position 1129. The asparagine at codon 377 is replaced by tyrosine, an amino acid with dissimilar properties. This amino acid position is conserved. In addition, this alteration is predicted to be tolerated by in silico analysis. Based on the available evidence, the clinical significance of this variant remains unclear.

NM_001127208.3(TET2):c.1129A>T (p.Asn377Tyr)

Genes: TET2 (tet methylcytosine dioxygenase 2; plus strand), TET2-AS1 (TET2 antisense RNA 1; minus strand). Cytogenetic location: 4q24.
Variant type: single nucleotide variant.
Coding change: c.1129A>T on transcript NM_001127208.3 (MANE Select); coding-DNA position 1129, A replaced by T.
Protein change: p.Asn377Tyr; replaces asparagine 377 with tyrosine.
Molecular consequence: missense variant.
Genome position (GRCh38, 1-based): chr4:105,235,071, A>T. VCF-style: chr4-105235071-A-T. GRCh37 (hg19) VCF-style: chr4-106156228-A-T.
Other names: c.1129A>T, p.Asn377Tyr (NM_017628.4); short protein forms N377Y.
Identifiers: ClinVar variation 3806069 (VCV003806069.1).